The following is an entry in ClinVar:

NM_017654.4(SAMD9):c.4270C>G (p.Leu1424Val)

Gene: SAMD9 (sterile alpha motif domain containing 9; minus strand). Cytogenetic location: 7q21.2.
Variant type: single nucleotide variant.
Coding change: c.4270C>G on transcript NM_017654.4 (MANE Select); coding-DNA position 4270, C replaced by G.
Protein change: p.Leu1424Val; replaces leucine 1424 with valine.
Molecular consequence: missense variant.
Genome position (GRCh38, 1-based): chr7:93,101,828, G>C on the plus strand (C>G on the coding strand, the complement: SAMD9 is on the minus strand). VCF-style: chr7-93101828-G-C. GRCh37 (hg19) VCF-style: chr7-92731141-G-C.
Other names: c.4270C>G (NM_017654.3); c.4270C>G, p.Leu1424Val (NM_001193307.2); short protein forms L1424V.
Identifiers: ClinVar variation 1963139 (VCV001963139.6), dbSNP rs1791535652, ClinGen allele CA368179954.

ClinVar aggregate classification (germline): Uncertain significance. Review status: criteria provided, multiple submitters, no conflicts (2 of 4 stars). 4 submissions from 4 submitters: Uncertain significance (4). Last evaluated 2025-11-28.

Conditions:
Inborn genetic diseases. Identifiers: MedGen C0950123, MeSH D030342.

Allele frequency attached by ClinVar (database versions not stated): TOPMed 0.00001.

Submissions (4):

Labcorp Genetics (formerly Invitae), Labcorp
Classification: Uncertain significance. Last evaluated: 2025-11-28. Review status: criteria provided, single submitter. Criteria: Invitae Variant Classification Sherloc (09022015). Collection method: clinical testing. Allele origin: germline.
Comment: This sequence change replaces leucine, which is neutral and non-polar, with valine, which is neutral and non-polar, at codon 1424 of the SAMD9 protein (p.Leu1424Val). This variant is not present in population databases (gnomAD no frequency). This variant has not been reported in the literature in individuals affected with SAMD9-related conditions. ClinVar contains an entry for this variant (Variation ID: 1963139). Invitae Evidence Modeling of protein sequence and biophysical properties (such as structural, functional, and spatial information, amino acid conservation, physicochemical variation, residue mobility, and thermodynamic stability) indicates that this missense variant is not expected to disrupt SAMD9 protein function with a negative predictive value of 95%. In summary, the available evidence is currently insufficient to determine the role of this variant in disease. Therefore, it has been classified as a Variant of Uncertain Significance.

Ambry Genetics
Classification: Uncertain significance for Inborn genetic diseases. Last evaluated: 2025-06-23. Review status: criteria provided, single submitter. Criteria: Ambry Variant Classification Scheme 2023. Collection method: clinical testing. Allele origin: germline.
Comment: The p.L1424V variant (also known as c.4270C>G), located in coding exon 1 of the SAMD9 gene, results from a C to G substitution at nucleotide position 4270. The leucine at codon 1424 is replaced by valine, an amino acid with highly similar properties. This amino acid position is conserved. In addition, this alteration is predicted to be tolerated by in silico analysis. Based on the available evidence, the clinical significance of this variant remains unclear.

GeneDx
Classification: Uncertain significance. Last evaluated: 2024-04-10. Review status: criteria provided, single submitter. Criteria: GeneDx Variant Classification Process June 2021. Collection method: clinical testing. Allele origin: germline. Affected: yes.
Comment: Not observed at significant frequency in large population cohorts (gnomAD); In silico analysis indicates that this missense variant does not alter protein structure/function; Has not been previously published as pathogenic or benign to our knowledge

Women's Health and Genetics/Laboratory Corporation of America, LabCorp
Classification: Uncertain significance. Last evaluated: 2023-10-18. Review status: criteria provided, single submitter. Criteria: LabCorp Variant Classification Summary - May 2015. Collection method: clinical testing. Allele origin: germline.
Comment: Variant summary: SAMD9 c.4270C>G (p.Leu1424Val) results in a conservative amino acid change in the encoded protein sequence. Five of five in-silico tools predict a benign effect of the variant on protein function. The variant was absent in 251068 control chromosomes (gnomAD). The available data on variant occurrences in the general population are insufficient to allow any conclusion about variant significance. To our knowledge, no occurrence of c.4270C>G in individuals affected with MIRAGE Syndrome and no experimental evidence demonstrating its impact on protein function have been reported. One submitter has cited a clinical-significance assessment for this variant to ClinVar after 2014 and has classified the variant as uncertain significance. Based on the evidence outlined above, the variant was classified as uncertain significance.